The following is an entry in ClinVar:

NM_004525.3(LRP2):c.617A>T (p.Asn206Ile)

Gene: LRP2 (LDL receptor related protein 2; minus strand). Cytogenetic location: 2q31.1.
Variant type: single nucleotide variant.
Coding change: c.617A>T on transcript NM_004525.3 (MANE Select); coding-DNA position 617, A replaced by T.
Protein change: p.Asn206Ile; replaces asparagine 206 with isoleucine.
Molecular consequence: missense variant.
Genome position (GRCh38, 1-based): chr2:169,294,183, T>A on the plus strand (A>T on the coding strand, the complement: LRP2 is on the minus strand). VCF-style: chr2-169294183-T-A. GRCh37 (hg19) VCF-style: chr2-170150693-T-A.
Other names: short protein forms N206I.
Identifiers: ClinVar variation 1349503 (VCV001349503.6), dbSNP rs772314601, ClinGen allele CA1955814.
Genomic context (GRCh38, chr2:169,294,183, plus strand): 5'-ACCCAGCATAAAGAAATCACCGTACTGCAAGCATGTTCGTCACTGCCGTCTTGGCAATCA[T>A]TGTCATGGTCACAGACATAAGCACGAGGGATACACTCTCCATTGCCACATGAAAACTCAT-3'
Protein context (NP_004516.2, residues 196-216): IPRAYVCDHD[Asn206Ile]DCQDGSDEHA

ClinVar aggregate classification (germline): Uncertain significance. Review status: criteria provided, multiple submitters, no conflicts (2 of 4 stars). 2 submissions from 2 submitters: Uncertain significance (2). Last evaluated 2021-11-15.

Conditions:
Donnai-Barrow syndrome. Also called: DBS/FOAR SYNDROME; FACIOOCULOACOUSTICORENAL SYNDROME. Identifiers: Orphanet 2143, MedGen C1857277, MONDO:0009104, OMIM 222448.

Allele frequency attached by ClinVar (database versions not stated): gnomAD exomes below 0.00001; ExAC 0.00001.
gnomAD v4.1: 22 of 1,613,804 alleles (0.0014%); highest among the groups gnomAD compares: Non-Finnish European, 0.0017%; no homozygotes.

Submissions (2):

Fulgent Genetics
Classification: Uncertain significance for Donnai-Barrow syndrome. Last evaluated: 2021-11-15. Review status: criteria provided, single submitter. Criteria: ACMG Guidelines, 2015. Collection method: clinical testing. Allele origin: unknown.

Labcorp Genetics (formerly Invitae), Labcorp
Classification: Uncertain significance. Last evaluated: 2021-08-26. Review status: criteria provided, single submitter. Criteria: Invitae Variant Classification Sherloc (09022015). Collection method: clinical testing. Allele origin: germline.
Comment: This sequence change replaces asparagine with isoleucine at codon 206 of the LRP2 protein (p.Asn206Ile). The asparagine residue is weakly conserved and there is a large physicochemical difference between asparagine and isoleucine. This variant is present in population databases (rs772314601, ExAC 0.001%). This variant has not been reported in the literature in individuals affected with LRP2-related conditions. Advanced modeling of protein sequence and biophysical properties (such as structural, functional, and spatial information, amino acid conservation, physicochemical variation, residue mobility, and thermodynamic stability) performed at Invitae indicates that this missense variant is not expected to disrupt LRP2 protein function. In summary, the available evidence is currently insufficient to determine the role of this variant in disease. Therefore, it has been classified as a Variant of Uncertain Significance.